The following is an entry in ClinVar:

ClinVar aggregate classification (germline): Pathogenic (1 of 4 stars; one submission).

Conditions:
Malignant hyperthermia, susceptibility to, 5 (MHS5). Also called: CACNA1S-Related Malignant Hyperthermia Susceptibility. Identifiers: Orphanet 423, MedGen C1866077, MONDO:0011163, OMIM 601887.
Hypokalemic periodic paralysis, type 1. Also called: HypoPP; Hypokalemic Periodic Paralysis Type 1 (AD). Identifiers: Orphanet 681, MedGen C3714580, MONDO:0042979, OMIM 170400.

Submission:

Labcorp Genetics (formerly Invitae), Labcorp
Classification: Pathogenic for Hypokalemic periodic paralysis, type 1; Malignant hyperthermia, susceptibility to, 5. Last evaluated: 2022-12-25. Review status: criteria provided, single submitter. Criteria: Invitae Variant Classification Sherloc (09022015). Collection method: clinical testing. Allele origin: germline.
Comment: For these reasons, this variant has been classified as Pathogenic. This sequence change creates a premature translational stop signal (p.Trp1016*) in the CACNA1S gene. It is expected to result in an absent or disrupted protein product. Loss-of-function variants in CACNA1S are known to be pathogenic (PMID: 26247046, 28012042). This variant is not present in population databases (gnomAD no frequency). This variant has not been reported in the literature in individuals affected with CACNA1S-related conditions.

Literature cited by the submitters: PubMed 26247046; PubMed 28012042.

NM_000069.3(CACNA1S):c.3047G>A (p.Trp1016Ter)

Gene: CACNA1S (calcium voltage-gated channel subunit alpha1 S; minus strand). Cytogenetic location: 1q32.1.
Variant type: single nucleotide variant.
Coding change: c.3047G>A on transcript NM_000069.3 (MANE Select); coding-DNA position 3047, G replaced by A.
Protein change: p.Trp1016Ter; replaces tryptophan 1016 with a stop codon.
Molecular consequence: nonsense.
Genome position (GRCh38, 1-based): chr1:201,061,950, C>T on the plus strand (G>A on the coding strand, the complement: CACNA1S is on the minus strand). VCF-style: chr1-201061950-C-T. GRCh37 (hg19) VCF-style: chr1-201031078-C-T.
Other names: short protein forms W1016*.
Identifiers: ClinVar variation 2942441 (VCV002942441.3), dbSNP rs2464500667, ClinGen allele CA344163154.
Genomic context (GRCh38, chr1:201,061,950, plus strand): 5'-CCTGGTCCTACCTGACCATGTCCATGAGGGACCTAGGCCCCAGCCATCACTCACTGAGGC[C>T]ATCCCTCGAAGGTGGAGACCGTGAAGAGGGACATCATGGCTGAGAGCACATTGTCGAAGT-3'